The following is an entry in ClinVar:

NM_001621.5(AHR):c.1193G>A (p.Arg398Gln)

Gene: AHR (aryl hydrocarbon receptor; plus strand). Cytogenetic location: 7p21.1.
Variant type: single nucleotide variant.
Coding change: c.1193G>A on transcript NM_001621.5 (MANE Select); coding-DNA position 1193, G replaced by A.
Protein change: p.Arg398Gln; replaces arginine 398 with glutamine.
Molecular consequence: missense variant.
Genome position (GRCh38, 1-based): chr7:17,339,018, G>A. VCF-style: chr7-17339018-G-A. GRCh37 (hg19) VCF-style: chr7-17378642-G-A.
Other names: short protein forms R398Q.
Identifiers: ClinVar variation 1439528 (VCV001439528.8), dbSNP rs1162451095, ClinGen allele CA366893215.

ClinVar aggregate classification (germline): Uncertain significance (1 of 4 stars; one submission).

gnomAD v4.1: 5 of 1,613,838 alleles (0.00031%); highest among the groups gnomAD compares: Non-Finnish European, 0.00042%; no homozygotes.

Submission:

Labcorp Genetics (formerly Invitae), Labcorp
Classification: Uncertain significance. Last evaluated: 2021-07-21. Review status: criteria provided, single submitter. Criteria: Invitae Variant Classification Sherloc (09022015). Collection method: clinical testing. Allele origin: germline.
Comment: In summary, the available evidence is currently insufficient to determine the role of this variant in disease. Therefore, it has been classified as a Variant of Uncertain Significance. Algorithms developed to predict the effect of missense changes on protein structure and function are either unavailable or do not agree on the potential impact of this missense change (SIFT: "Deleterious"; PolyPhen-2: "Benign"; Align-GVGD: "Class C35"). This sequence change replaces arginine with glutamine at codon 398 of the AHR protein (p.Arg398Gln). The arginine residue is highly conserved and there is a small physicochemical difference between arginine and glutamine. This variant is not present in population databases (ExAC no frequency). This variant has not been reported in the literature in individuals affected with AHR-related conditions.